The following is an entry in ClinVar:

ClinVar aggregate classification (germline): Pathogenic (1 of 4 stars; one submission).

Conditions:
Intellectual disability-microcephaly-strabismus-behavioral abnormalities syndrome. Also called: White-Sutton Syndrome. Identifiers: Orphanet 468678, MedGen C4225351, MONDO:0014606, OMIM 616364.

Submission:

MVZ Medizinische Genetik Mainz
Classification: Pathogenic for Intellectual disability-microcephaly-strabismus-behavioral abnormalities syndrome. Last evaluated: 2022-08-30. Review status: criteria provided, single submitter. Criteria: UK Practice Guidelines For Variant Classification V4 01 2020. Collection method: clinical testing. Allele origin: germline. Inheritance: Autosomal dominant inheritance. Affected: yes. Observed: 1 variant allele.
Comment: ACMG Criteria: PVS1, PM2_SUP, PM6_SUP

NM_015100.4(POGZ):c.2002dup (p.Gln668fs)

Gene: POGZ (pogo transposable element derived with ZNF domain; minus strand). Cytogenetic location: 1q21.3.
Variant type: Duplication.
Coding change: c.2002dup on transcript NM_015100.4 (MANE Select); coding-DNA position 2002, one base duplicated (C; older notation c.2002dupC).
Protein change: p.Gln668fs; shifts the reading frame from glutamine 668.
Molecular consequence: frameshift variant.
Genome position (GRCh38, 1-based): chr1:151,408,753, G duplicated on the plus strand (C on the coding strand, the reverse complement: POGZ is on the minus strand). VCF-style (leftmost placement, unchanged base first): chr1-151408752-T-TG. GRCh37 (hg19) VCF-style: chr1-151381228-T-TG.
Other names: c.1975dup, p.Gln659fs (NM_001194937.2); c.1816dup, p.Gln606fs (NM_001194938.2); c.2023dup, p.Gln675fs (NM_001410860.1); c.1717dup, p.Gln573fs (NM_145796.4); c.1843dup, p.Gln615fs (NM_207171.2); short protein forms Q573fs, Q606fs, Q615fs, Q659fs, Q668fs, Q675fs.
Identifiers: ClinVar variation 3235216 (VCV003235216.1), dbSNP rs2529248224.